The following is an entry in ClinVar:

ClinVar aggregate classification (germline): Conflicting classifications of pathogenicity. Review status: criteria provided, conflicting classifications (1 of 4 stars). 2 submissions from 2 submitters: Likely pathogenic (1); Uncertain significance (1). Last evaluated 2025-10-16.

Conditions:
Inborn genetic diseases. Identifiers: MedGen C0950123, MeSH D030342.

Allele frequency attached by ClinVar (database versions not stated): gnomAD exomes below 0.00001; TOPMed below 0.00001.
gnomAD v4.1: 1 of 1,613,556 alleles (0.000062%); highest among the groups gnomAD compares: African/African-American, 0.0013%; no homozygotes.

Submissions (2):

Ambry Genetics
Classification: Uncertain significance for Inborn genetic diseases. Last evaluated: 2025-10-16. Review status: criteria provided, single submitter. Criteria: Ambry Variant Classification Scheme 2023. Collection method: clinical testing. Allele origin: germline.
Comment: The c.2059+1G>T intronic variant consists of a G to T substitution one nucleotide after exon 19 (coding exon 18) of the CDH23 gene. Alterations that disrupt the canonical splice site are expected to result in aberrant splicing. A resulting transcript is predicted to be in-frame and is not expected to trigger nonsense-mediated mRNA decay, although direct evidence is unavailable. This variant was not reported in population-based cohorts in the Genome Aggregation Database (gnomAD). This nucleotide position is highly conserved in available vertebrate species. In silico splice site analysis predicts that this alteration will weaken the native splice donor site and may result in the creation or strengthening of a novel splice donor site. Based on insufficient or conflicting evidence, the clinical significance of this alteration remains unclear.

Labcorp Genetics (formerly Invitae), Labcorp
Classification: Likely pathogenic. Last evaluated: 2024-10-16. Review status: criteria provided, single submitter. Criteria: Invitae Variant Classification Sherloc (09022015). Collection method: clinical testing. Allele origin: germline.
Comment: This sequence change affects a donor splice site in intron 19 of the CDH23 gene. It is expected to disrupt RNA splicing. Variants that disrupt the donor or acceptor splice site typically lead to a loss of protein function (PMID: 16199547), and loss-of-function variants in CDH23 are known to be pathogenic (PMID: 11138009, 21940737). This variant is not present in population databases (gnomAD no frequency). This variant has not been reported in the literature in individuals affected with CDH23-related conditions. ClinVar contains an entry for this variant (Variation ID: 1997903). Algorithms developed to predict the effect of sequence changes on RNA splicing suggest that this variant may disrupt the consensus splice site. In summary, the currently available evidence indicates that the variant is pathogenic, but additional data are needed to prove that conclusively. Therefore, this variant has been classified as Likely Pathogenic.

Literature cited by the submitters: PubMed 16199547 (cited by Labcorp Genetics (formerly Invitae), Labcorp); PubMed 11138009 (cited by Labcorp Genetics (formerly Invitae), Labcorp); PubMed 21940737 (cited by Labcorp Genetics (formerly Invitae), Labcorp).

NM_022124.6(CDH23):c.2059+1G>T

Gene: CDH23 (cadherin related 23; plus strand). Cytogenetic location: 10q22.1.
Variant type: single nucleotide variant.
Coding change: c.2059+1G>T on transcript NM_022124.6 (MANE Select); the canonical splice donor site of the intron after coding-DNA position 2059, G replaced by T.
Molecular consequence: splice donor variant.
Genome position (GRCh38, 1-based): chr10:71,687,720, G>T. VCF-style: chr10-71687720-G-T. GRCh37 (hg19) VCF-style: chr10-73447477-G-T.
Other names: c.2059+1G>T (NM_001171930.2, NM_001171931.2, NM_022124.5).
Identifiers: ClinVar variation 1997903 (VCV001997903.5), dbSNP rs1864965345, ClinGen allele CA377133534.